The following is an entry in ClinVar:

NM_022552.5(DNMT3A):c.639G>A (p.Glu213=)

Gene: DNMT3A (DNA methyltransferase 3 alpha; minus strand). Cytogenetic location: 2p23.3.
Variant type: single nucleotide variant.
Coding change: c.639G>A on transcript NM_022552.5 (MANE Select); coding-DNA position 639, G replaced by A.
Protein change: p.Glu213=; no amino-acid change (glutamic acid 213 retained).
Molecular consequence: synonymous variant. On other transcripts: non-coding transcript variant (1).
Genome position (GRCh38, 1-based): chr2:25,274,941, C>T on the plus strand (G>A on the coding strand, the complement: DNMT3A is on the minus strand). VCF-style: chr2-25274941-C-T. GRCh37 (hg19) VCF-style: chr2-25497810-C-T.
Other names: c.639G>A, p.Glu213= (NM_175629.2).
Identifiers: ClinVar variation 2310869 (VCV002310869.2), dbSNP rs2149365348, ClinGen allele CA425188615.

ClinVar aggregate classification (germline): Likely pathogenic (1 of 4 stars; one submission).

Conditions:
Inborn genetic diseases. Identifiers: MedGen C0950123, MeSH D030342.

Submission:

Ambry Genetics
Classification: Likely pathogenic for Inborn genetic diseases. Last evaluated: 2022-10-24. Review status: criteria provided, single submitter. Criteria: Ambry Variant Classification Scheme 2023. Collection method: clinical testing. Allele origin: germline.
Comment: The c.639G>A (p.E213E) alteration is located in exon 6 (coding exon 5) of the DNMT3A gene. This alteration consists of a G to A substitution at nucleotide position 639. This nucleotide substitution does not change the amino acid at codon 213; however, this change occurs in the last base pair of coding exon 5, which makes it likely to have some effect on normal mRNA splicing. This variant was not reported in population-based cohorts in the Genome Aggregation Database (gnomAD). This nucleotide position is highly conserved in available vertebrate species. In silico splice site analysis predicts that this alteration will weaken the native splice donor site. Based on the available evidence, this alteration is classified as likely pathogenic.